The following is an entry in ClinVar:

ClinVar aggregate classification (germline): Likely benign (1 of 4 stars; one submission).

Submission:

CeGaT Center for Human Genetics Tuebingen
Classification: Likely benign. Last evaluated: 2025-03-01. Review status: criteria provided, single submitter. Criteria: CeGaT Center For Human Genetics Tuebingen Variant Classification Criteria Version 2. Collection method: clinical testing. Allele origin: germline. Affected: yes. Observed: 2 variant alleles.
Comment: FMN2: PM2:Supporting, BP4, BP7

NM_020066.5(FMN2):c.3267C>G (p.Pro1089=)

Gene: FMN2 (formin 2; plus strand). Cytogenetic location: 1q43.
Variant type: single nucleotide variant.
Coding change: c.3267C>G on transcript NM_020066.5 (MANE Select); coding-DNA position 3267, C replaced by G.
Protein change: p.Pro1089=; no amino-acid change (proline 1089 retained).
Molecular consequence: synonymous variant. On other transcripts: intron variant (1).
Genome position (GRCh38, 1-based): chr1:240,208,079, C>G. VCF-style: chr1-240208079-C-G. GRCh37 (hg19) VCF-style: chr1-240371379-C-G.
Other names: c.3279C>G, p.Pro1093= (NM_001305424.2); c.1986+19817C>G (NM_001348094.2).
Identifiers: ClinVar variation 3025822 (VCV003025822.22), dbSNP rs1666497478, ClinGen allele CA424385602.